The following is an entry in ClinVar:

NM_004393.6(DAG1):c.1641C>T (p.Gly547=)

Gene: DAG1 (dystroglycan 1; plus strand). Cytogenetic location: 3p21.31.
Variant type: single nucleotide variant.
Coding change: c.1641C>T on transcript NM_004393.6 (MANE Select); coding-DNA position 1641, C replaced by T.
Protein change: p.Gly547=; no amino-acid change (glycine 547 retained).
Molecular consequence: synonymous variant.
Genome position (GRCh38, 1-based): chr3:49,532,152, C>T. VCF-style: chr3-49532152-C-T. GRCh37 (hg19) VCF-style: chr3-49569585-C-T.
Other names: c.1641C>T, p.Gly547= (NM_001165928.4, NM_001177634.3, NM_001177635.3 and 9 more transcripts).
Identifiers: ClinVar variation 289574 (VCV000289574.16), dbSNP rs374490206, ClinGen allele CA2399111.
Genomic context (GRCh38, chr3:49,532,152, plus strand): 5'-GGACACCACCACTGACAAGCTGAAGCTGACCCTGAAACTGCGGGAGCAGCAGCTGGTGGG[C>T]GAGAAGTCCTGGGTACAGTTCAACAGCAACAGCCAGCTCATGTATGGCCTTCCCGACAGC-3'
Protein context (NP_004384.5, residues 537-557): TLKLREQQLV[Gly547=]EKSWVQFNSN

ClinVar aggregate classification (germline): Conflicting classifications of pathogenicity. Review status: criteria provided, conflicting classifications (1 of 4 stars). 3 submissions from 3 submitters: Uncertain significance (1); Likely benign (2). Last evaluated 2026-06-01.

Conditions:
Muscular dystrophy-dystroglycanopathy (congenital with brain and eye anomalies), type A9. Also called: WALKER-WARBURG SYNDROME OR MUSCLE-EYE BRAIN DISEASE, DAG1-RELATED; Muscular dystrophy-dystroglycanopathy (congenital with brain and eye anomalies), type a, 9. Identifiers: Orphanet 370997, Orphanet 899, MedGen C4225291, MONDO:0014683, OMIM 616538.
Autosomal recessive limb-girdle muscular dystrophy type 2P. Also called: Limb-Girdle Muscular Dystrophy Type 9C; MUSCULAR DYSTROPHY, LIMB-GIRDLE, TYPE 2P; MUSCULAR DYSTROPHY-DYSTROGLYCANOPATHY, LIMB-GIRDLE, DAG1-RELATED. Identifiers: Orphanet 280333, MedGen C4511963, MONDO:0013440, OMIM 613818.

Allele frequency attached by ClinVar (database versions not stated): gnomAD 0.00002; gnomAD exomes 0.00006 and 0.00024; ESP Exome Variant Server 0.00008; TOPMed 0.00009; ExAC 0.00019.
gnomAD v4.1: 82 of 1,614,082 alleles (0.0051%); highest among the groups gnomAD compares: Admixed American, 0.11%; no homozygotes.

Submissions (3):

CeGaT Center for Human Genetics Tuebingen
Classification: Likely benign. Last evaluated: 2026-06-01. Review status: criteria provided, single submitter. Criteria: CeGaT Center For Human Genetics Tuebingen Variant Classification Criteria Version 2. Collection method: clinical testing. Allele origin: germline. Affected: yes. Observed: 1 variant allele.
Comment: DAG1: BP4, BP7

Labcorp Genetics (formerly Invitae), Labcorp
Classification: Likely benign for Autosomal recessive limb-girdle muscular dystrophy type 2P; Muscular dystrophy-dystroglycanopathy (congenital with brain and eye anomalies), type A9. Last evaluated: 2025-12-18. Review status: criteria provided, single submitter. Criteria: Invitae Variant Classification Sherloc (09022015). Collection method: clinical testing. Allele origin: germline.

Eurofins Ntd Llc (ga)
Classification: Uncertain significance. Last evaluated: 2016-07-26. Review status: criteria provided, single submitter. Criteria: EGL Classification Definitions 2015. Collection method: clinical testing. Allele origin: germline. Observed: 1 variant allele, 1 heterozygote.